The following is an entry in ClinVar:

NM_000219.6(KCNE1):c.*923G>A

Gene: KCNE1 (potassium voltage-gated channel subfamily E regulatory subunit 1; minus strand). Cytogenetic location: 21q22.12.
Variant type: single nucleotide variant.
Coding change: c.*923G>A on transcript NM_000219.6 (MANE Select); 923 bases downstream of the stop codon, G replaced by A.
Molecular consequence: 3 prime UTR variant.
Genome position (GRCh38, 1-based): chr21:34,448,322, C>T on the plus strand (G>A on the coding strand, the complement: KCNE1 is on the minus strand). VCF-style: chr21-34448322-C-T. GRCh37 (hg19) VCF-style: chr21-35820620-C-T.
Other names: c.*923G>A (NM_001127668.4, NM_001127669.4, NM_001127670.4 and 4 more transcripts).
Identifiers: ClinVar variation 339757 (VCV000339757.6), dbSNP rs182050647, ClinGen allele CA10653528.
Genomic context (GRCh38, chr21:34,448,322, plus strand): 5'-AGCCACTCCTTCCCCTGGCTCTCGGGGAGTGGGGGCACCTTTCCCTGCTCCCACAGTGAC[C>T]GAGCACCTTCCCCTTGGTATGCATTCTGAAGGGGGCATTTTTTTCTCCTCCATCTCAGCC-3'

ClinVar aggregate classification (germline): Likely benign. Review status: criteria provided, single submitter (1 of 4 stars). 2 submissions from 1 submitter: Likely benign (2). Last evaluated 2018-01-13.

Conditions:
Jervell and Lange-Nielsen syndrome 2 (JLNS2). Identifiers: Orphanet 768, Orphanet 90647, MedGen C2676723, MONDO:0012871, OMIM 612347.
Long QT syndrome 5 (LQT5). Identifiers: Orphanet 101016, Orphanet 768, MedGen C1867904, MONDO:0013372, OMIM 613695.

Allele frequency attached by ClinVar (database versions not stated): 1000 Genomes Project 0.00060.

Submissions (2):

Illumina Laboratory Services, Illumina
Classification: Likely benign for Jervell and Lange-Nielsen syndrome 2. Last evaluated: 2018-01-13. Review status: criteria provided, single submitter. Criteria: ICSL Variant Classification Criteria 13 December 2019. Collection method: clinical testing. Allele origin: germline.
Comment: This variant was observed in the ICSL laboratory as part of a predisposition screen in an ostensibly healthy population. It had not been previously curated by ICSL or reported in the Human Gene Mutation Database (HGMD: prior to June 1st, 2018), and was therefore a candidate for classification through an automated scoring system. Utilizing variant allele frequency, disease prevalence and penetrance estimates, and inheritance mode, an automated score was calculated to assess if this variant is too frequent to cause the disease. Based on the score and internal cut-off values, a variant classified as likely benign is not then subjected to further curation. The score for this variant resulted in a classification of likely benign for this disease.

Illumina Laboratory Services, Illumina
Classification: Likely benign for Long QT syndrome 5. Last evaluated: 2018-01-13. Review status: criteria provided, single submitter. Criteria: ICSL Variant Classification Criteria 13 December 2019. Collection method: clinical testing. Allele origin: germline.
Comment: the same text as in the submission from Illumina Laboratory Services, Illumina above.